The following is an entry in ClinVar:

ClinVar aggregate classification (germline): Uncertain significance. Review status: criteria provided, multiple submitters, no conflicts (2 of 4 stars). 2 submissions from 2 submitters: Uncertain significance (2). Last evaluated 2025-02-09.

Conditions:
Pancreatic adenocarcinoma. Identifiers: MedGen C0281361, MONDO:0006047, HP:0006725.

gnomAD v4.1: 7 of 1,493,260 alleles (0.00047%); highest among the groups gnomAD compares: Middle Eastern, 0.036%; no homozygotes.

Submissions (2):

Ambry Genetics
Classification: Uncertain significance. Last evaluated: 2025-02-09. Review status: criteria provided, single submitter. Criteria: Ambry Variant Classification Scheme 2023. Collection method: clinical testing. Allele origin: germline.
Comment: The p.S44R variant (also known as c.130A>C), located in coding exon 1 of the PALLD gene, results from an A to C substitution at nucleotide position 130. The serine at codon 44 is replaced by arginine, an amino acid with dissimilar properties. This amino acid position is conserved. In addition, this alteration is predicted to be tolerated by in silico analysis. Based on the available evidence, the clinical significance of this variant remains unclear.

Labcorp Genetics (formerly Invitae), Labcorp
Classification: Uncertain significance for Pancreatic adenocarcinoma. Last evaluated: 2023-05-24. Review status: criteria provided, single submitter. Criteria: Invitae Variant Classification Sherloc (09022015). Collection method: clinical testing. Allele origin: germline.
Comment: This variant is not present in population databases (gnomAD no frequency). This variant has not been reported in the literature in individuals affected with PALLD-related conditions. This sequence change replaces serine, which is neutral and polar, with arginine, which is basic and polar, at codon 44 of the PALLD protein (p.Ser44Arg). In summary, the available evidence is currently insufficient to determine the role of this variant in disease. Therefore, it has been classified as a Variant of Uncertain Significance. An algorithm developed to predict the effect of missense changes on protein structure and function (PolyPhen-2) suggests that this variant is likely to be tolerated.

NM_001166108.2(PALLD):c.1965-12901A>C

Gene: PALLD (palladin, cytoskeletal associated protein; plus strand). Cytogenetic location: 4q32.3.
Variant type: single nucleotide variant.
Coding change: c.1965-12901A>C on transcript NM_001166108.2 (MANE Select); 12901 bases into the intron before coding-DNA position 1965, A replaced by C.
Molecular consequence: intron variant. On other transcripts: missense variant (1).
Genome position (GRCh38, 1-based): chr4:168,878,021, A>C. VCF-style: chr4-168878021-A-C. GRCh37 (hg19) VCF-style: chr4-169799172-A-C.
Other names: c.130A>C, p.Ser44Arg (NM_001166110.2); c.1965-12901A>C (NM_016081.4); c.819-12901A>C (NM_001166109.2); c.-157-12901A>C (NM_001367570.1, NM_001367568.1, NM_001367567.1 and 1 more transcripts); c.130A>C (NM_001166110.1); short protein forms S44R.
Identifiers: ClinVar variation 2971828 (VCV002971828.4), dbSNP rs1212940455, ClinGen allele CA358795124.